The following is an entry in ClinVar:

NM_013964.5(NRG1):c.414T>C (p.Gly138=)

Gene: NRG1 (neuregulin 1; plus strand). Cytogenetic location: 8p12.
Variant type: single nucleotide variant.
Coding change: c.414T>C on transcript NM_013964.5 (MANE Select); coding-DNA position 414, T replaced by C.
Protein change: p.Gly138=; no amino-acid change (glycine 138 retained).
Molecular consequence: synonymous variant. On other transcripts: 5 prime UTR variant (1), intron variant (5).
Genome position (GRCh38, 1-based): chr8:32,614,527, T>C. VCF-style: chr8-32614527-T-C. GRCh37 (hg19) VCF-style: chr8-32472045-T-C.
Other names: c.351T>C, p.Gly117= (NM_001159995.3, NM_001159999.3); c.414T>C, p.Gly138= (NM_001160002.2, NM_001160004.3, NM_001160008.2 and 5 more transcripts); c.-242T>C (NM_001322201.2); c.337+8844T>C (NM_001160001.3); c.-205+8844T>C (NM_001322202.2); c.1045+8844T>C (NM_013962.3); c.400+8844T>C (NM_001160005.2, NM_001160007.2); c.414T>C (NM_001160002.1).
Identifiers: ClinVar variation 780750 (VCV000780750.7), dbSNP rs79277882, ClinGen allele CA4705556.

ClinVar aggregate classification (germline): Benign. Review status: criteria provided, multiple submitters, no conflicts (2 of 4 stars). 3 submissions from 3 submitters: Benign (2). 1 of the submissions does not count toward it. Last evaluated 2019-12-31.

Conditions:
NRG1-related disorder. Also called: NRG1-related condition.

Allele frequency attached by ClinVar (database versions not stated): gnomAD exomes 0.00180; TOPMed 0.00782; ESP Exome Variant Server 0.00654; 1000 Genomes Project 30x 0.00890; ExAC 0.00207; gnomAD 0.00700 and 0.00752; 1000 Genomes Project 0.00859.
gnomAD v4.1: 2,010 of 1,612,674 alleles (0.12%); highest among the groups gnomAD compares: African/African-American, 2.3%; 24 homozygotes.

Submissions (3):

Labcorp Genetics (formerly Invitae), Labcorp
Classification: Benign. Last evaluated: 2019-12-31. Review status: criteria provided, single submitter. Criteria: Invitae Variant Classification Sherloc (09022015). Collection method: clinical testing. Allele origin: germline.

Breakthrough Genomics
Classification: Benign. Review status: criteria provided, single submitter. Criteria: ACMG Guidelines, 2015. Collection method: not provided. Allele origin: germline. Inheritance: Unknown mechanism. Affected: yes.

PreventionGenetics, part of Exact Sciences
Classification: Benign for NRG1-related condition. Last evaluated: 2019-04-09. Review status: no assertion criteria provided. Collection method: clinical testing. Allele origin: germline. Not counted in ClinVar's aggregate classification.
Comment: This variant is classified as benign based on ACMG/AMP sequence variant interpretation guidelines (Richards et al. 2015 PMID: 25741868, with internal and published modifications).